The following is an entry in ClinVar:

NM_001378454.1(ALMS1):c.11661del (p.Gln3888fs)

Gene: ALMS1 (ALMS1 centrosome and basal body associated protein; plus strand). Cytogenetic location: 2p13.1.
Variant type: Deletion.
Coding change: c.11661del on transcript NM_001378454.1 (MANE Select); coding-DNA position 11661, one base deleted (A; older notation c.11661delA).
Protein change: p.Gln3888fs; shifts the reading frame from glutamine 3888.
Molecular consequence: frameshift variant.
Genome position (GRCh38, 1-based): chr2:73,599,514, A deleted. VCF-style (leftmost placement, unchanged base first): chr2-73599513-TA-T. GRCh37 (hg19) VCF-style: chr2-73826640-TA-T.
Other names: c.11664del, p.Gln3889fs (NM_015120.4); c.11664delA (NM_015120.4); short protein forms Q3888fs, Q3889fs.
Identifiers: ClinVar variation 3356425 (VCV003356425.1).

ClinVar aggregate classification (germline): Likely pathogenic (0 of 4 stars; one submission).

Conditions:
ALMS1-related disorder. Also called: ALMS1-related condition.

Submission:

PreventionGenetics, part of Exact Sciences
Classification: Likely pathogenic for ALMS1-related condition. Last evaluated: 2024-08-01. Review status: no assertion criteria provided. Collection method: clinical testing. Allele origin: germline.
Comment: The ALMS1 c.11664delA variant is predicted to result in a frameshift and premature protein termination (p.Gly3889Valfs*6). To our knowledge, this variant has not been reported in the literature or in a large population database, indicating this variant is rare. Frameshift variants in ALMS1 are expected to be pathogenic. This variant is interpreted as likely pathogenic.